The following is an entry in ClinVar:

NM_022168.4(IFIH1):c.2043dup (p.Glu682Ter)

Gene: IFIH1 (interferon induced with helicase C domain 1; minus strand). Cytogenetic location: 2q24.2.
Variant type: Duplication.
Coding change: c.2043dup on transcript NM_022168.4 (MANE Select); coding-DNA position 2043, one base duplicated (T; older notation c.2043dupT).
Protein change: p.Glu682Ter; replaces glutamic acid 682 with a stop codon.
Molecular consequence: nonsense.
Genome position (GRCh38, 1-based): chr2:162,277,416, A duplicated on the plus strand (T on the coding strand, the reverse complement: IFIH1 is on the minus strand); the first of 6 consecutive A bases (chr2:162,277,416-162,277,421); duplicating any one gives the same sequence. VCF-style (leftmost placement, unchanged base first): chr2-162277415-C-CA. GRCh37 (hg19) VCF-style: chr2-163133925-C-CA.
Other names: short protein forms E682*.
Identifiers: ClinVar variation 4789213 (VCV004789213.1).

ClinVar aggregate classification (germline): Uncertain significance (1 of 4 stars; one submission).

Conditions:
Singleton-Merten syndrome 1 (SGMRT1). Also called: Widened medullary cavities of bone, aortic calcification, abnormal dentition, and muscular weakness; Syndrome of widened medullary cavities of the metacarpals and phalanges, aortic calcification and abnormal dentition. Identifiers: Orphanet 85191, MedGen C4225427, MONDO:0024535, OMIM 182250.
Aicardi-Goutieres syndrome 7 (AGS7). Identifiers: Orphanet 51, MedGen C3888244, MONDO:0014367, OMIM 615846.

Submission:

Labcorp Genetics (formerly Invitae), Labcorp
Classification: Uncertain significance for Aicardi-Goutieres syndrome 7; Singleton-Merten syndrome 1. Last evaluated: 2026-01-21. Review status: criteria provided, single submitter. Criteria: Invitae Variant Classification Sherloc (09022015). Collection method: clinical testing. Allele origin: germline.
Comment: This sequence change creates a premature translational stop signal (p.Glu682*) in the IFIH1 gene. It is expected to result in an absent or disrupted protein product. However, the current clinical and genetic evidence is not sufficient to establish whether loss-of-function variants in IFIH1 cause disease. The frequency data for this variant in the population databases is considered unreliable, as metrics indicate poor data quality at this position in the gnomAD database. This variant has not been reported in the literature in individuals affected with IFIH1-related conditions. In summary, the available evidence is currently insufficient to determine the role of this variant in disease. Therefore, it has been classified as a Variant of Uncertain Significance.